The following is an entry in ClinVar:

ClinVar aggregate classification (germline): Likely benign. Review status: criteria provided, multiple submitters, no conflicts (2 of 4 stars). 3 submissions from 3 submitters: Likely benign (3). Last evaluated 2025-08-06.

Conditions:
Ehlers-Danlos syndrome, spondylodysplastic type, 3. Also called: Ehlers-Danlos syndrome, spondylocheirodysplastic type. Identifiers: Orphanet 157965, MedGen C2676510, MONDO:0012873, OMIM 612350.

Allele frequency attached by ClinVar (database versions not stated): ExAC 0.00003; gnomAD 0.00003; TOPMed 0.00003; ESP Exome Variant Server 0.00015.

Submissions (3):

Labcorp Genetics (formerly Invitae), Labcorp
Classification: Likely benign for Ehlers-Danlos syndrome, spondylodysplastic type, 3. Last evaluated: 2025-08-06. Review status: criteria provided, single submitter. Criteria: Invitae Variant Classification Sherloc (09022015). Collection method: clinical testing. Allele origin: germline.

Mayo Clinic Laboratories, Mayo Clinic
Classification: Likely benign. Last evaluated: 2025-01-21. Review status: criteria provided, single submitter. Criteria: ACMG Guidelines, 2015. Collection method: clinical testing. Allele origin: germline. Observed: 1 variant allele.
Comment: BP4, BP7

Blueprint Genetics
Classification: Likely benign. Last evaluated: 2023-12-14. Review status: criteria provided, single submitter. Criteria: ACMG Guidelines, 2015. Collection method: clinical testing. Allele origin: germline.

NM_001128225.3(SLC39A13):c.325C>T (p.Leu109=)

Gene: SLC39A13 (solute carrier family 39 member 13; plus strand). Cytogenetic location: 11p11.2.
Variant type: single nucleotide variant.
Coding change: c.325C>T on transcript NM_001128225.3 (MANE Select); coding-DNA position 325, C replaced by T.
Protein change: p.Leu109=; no amino-acid change (leucine 109 retained).
Molecular consequence: synonymous variant. On other transcripts: non-coding transcript variant (1).
Genome position (GRCh38, 1-based): chr11:47,411,949, C>T. VCF-style: chr11-47411949-C-T. GRCh37 (hg19) VCF-style: chr11-47433500-C-T.
Other names: p.Leu109=; c.325C>T (NM_152264.4); c.325C>T, p.Leu109= (NM_001330245.2, NM_152264.5).
Identifiers: ClinVar variation 2852440 (VCV002852440.5), dbSNP rs146848042, ClinGen allele CA5975738.
Genomic context (GRCh38, chr11:47,411,949, plus strand): 5'-CCAGTCAGCCCCCAGACCCCGCATCTCTCCCTTGTAGCTGGGGCCTGGCGCCTGAAGCAG[C>T]TGCTCAGCTTCGCCCTGGGGGGACTCTTGGGCAATGTGTTTCTGCATCTGCTGCCCGAAG-3'
Protein context (NP_001121697.2, residues 99-119): SEAGAWRLKQ[Leu109=]LSFALGGLLG